The following is an entry in ClinVar:

NM_139058.3(ARX):c.443_444insGGCCGC (p.Ala155_Trp156insAlaAla)

Genes: ARX (aristaless related homeobox; minus strand), LOC109610631 (aristaless related homeobox polyalanine expansion region; plus strand). Cytogenetic location: Xp21.3.
Variant type: Insertion.
Coding change: c.443_444insGGCCGC on transcript NM_139058.3 (MANE Select); coding-DNA positions 443 to 444, GGCCGC inserted.
Protein change: p.Ala155_Trp156insAlaAla.
Molecular consequence: inframe insertion.
Genome position: GRCh38 VCF-style: chrX-25013551-G-GGCGGCC. GRCh37 (hg19) VCF-style: chrX-25031668-G-GGCGGCC.
Identifiers: ClinVar variation 2201778 (VCV002201778.4), dbSNP rs2048712443, ClinGen allele CA2420209324.

ClinVar aggregate classification (germline): Uncertain significance (1 of 4 stars; one submission).

Conditions:
Developmental and epileptic encephalopathy, 1 (DEE1). Also called: X-linked infantile spasms; West's syndrome; Tonic spasms with clustering, arrest of psychomotor development and hypsarrhythmia on EEG; X-Linked Infantile Spasm Syndrome; OHTAHARA SYNDROME, X-LINKED; INFANTILE SPASM SYNDROME, X-LINKED 1. Identifiers: MedGen C3463992, MONDO:0010632, OMIM 308350. Disease mechanism: loss of function.
Intellectual disability, X-linked, with or without seizures, ARX-related. Also called: INTELLECTUAL DEVELOPMENTAL DISORDER, X-LINKED 29; MENTAL RETARDATION, X-LINKED 29; MENTAL RETARDATION, X-LINKED 32; MENTAL RETARDATION, X-LINKED 33; MENTAL RETARDATION, X-LINKED 38; MENTAL RETARDATION, X-LINKED 43. Identifiers: Orphanet 777, MedGen C0796244, MONDO:0010317, OMIM 300419.

Submission:

Labcorp Genetics (formerly Invitae), Labcorp
Classification: Uncertain significance for Developmental and epileptic encephalopathy, 1; Intellectual disability, X-linked, with or without seizures, ARX-related. Last evaluated: 2023-05-15. Review status: criteria provided, single submitter. Criteria: Invitae Variant Classification Sherloc (09022015). Collection method: clinical testing. Allele origin: germline.
Comment: In summary, the available evidence is currently insufficient to determine the role of this variant in disease. Therefore, it has been classified as a Variant of Uncertain Significance. Experimental studies and prediction algorithms are not available or were not evaluated, and the functional significance of this variant is currently unknown. ClinVar contains an entry for this variant (Variation ID: 2201778). This variant has not been reported in the literature in individuals affected with ARX-related conditions. The frequency data for this variant in the population databases is considered unreliable, as metrics indicate insufficient coverage at this position in the gnomAD database. This variant, c.443_444insGGCCGC, results in the insertion of 2 amino acid(s) of the ARX protein (p.Ala154_Ala155dup), but otherwise preserves the integrity of the reading frame.